The following is an entry in ClinVar:

NM_001244008.2(KIF1A):c.4870A>T (p.Thr1624Ser)

Gene: KIF1A (kinesin family member 1A; minus strand). Cytogenetic location: 2q37.3.
Variant type: single nucleotide variant.
Coding change: c.4870A>T on transcript NM_001244008.2 (MANE Select); coding-DNA position 4870, A replaced by T.
Protein change: p.Thr1624Ser; replaces threonine 1624 with serine.
Molecular consequence: missense variant.
Genome position (GRCh38, 1-based): chr2:240,719,925, T>A on the plus strand (A>T on the coding strand, the complement: KIF1A is on the minus strand). VCF-style: chr2-240719925-T-A. GRCh37 (hg19) VCF-style: chr2-241659342-T-A.
Other names: c.4594A>T, p.Thr1532Ser (NM_001320705.2, NM_001379649.1); c.4621A>T, p.Thr1541Ser (NM_001330289.2); c.4669A>T, p.Thr1557Ser (NM_001330290.2, NM_001379648.1); c.4945A>T, p.Thr1649Ser (NM_001379631.1); c.4846A>T, p.Thr1616Ser (NM_001379632.1); c.4843A>T, p.Thr1615Ser (NM_001379633.1, NM_001379645.1); c.4696A>T, p.Thr1566Ser (NM_001379634.1); c.4693A>T, p.Thr1565Ser (NM_001379635.1, NM_001379646.1); and 7 more; short protein forms T1522S, T1523S, T1531S, T1532S, T1540S, T1541S, T1548S, T1557S.
Identifiers: ClinVar variation 3761607 (VCV003761607.2).

ClinVar aggregate classification (germline): Uncertain significance (1 of 4 stars; one submission).

Conditions:
Neuropathy, hereditary sensory, type 2C. Also called: KIF1A-Related HSAN2 (HSAN2C); Hereditary sensory and autonomic neuropathy type IIC. Identifiers: Orphanet 970, MedGen C3280168, MONDO:0013634, OMIM 614213.
Hereditary spastic paraplegia 30. Identifiers: Orphanet 101010, MedGen C5235139, MONDO:0012476.
Intellectual disability, autosomal dominant 9 (NESCAVS). Also called: KIF1A-Related Neurodevelopmental Disorder; NESCAV SYNDROME. Identifiers: Orphanet 662367, MedGen C5393830, MONDO:0013656, OMIM 614255.

gnomAD v4.1: 1 of 1,606,344 alleles (0.000062%); no homozygotes.

Submission:

Labcorp Genetics (formerly Invitae), Labcorp
Classification: Uncertain significance for Hereditary spastic paraplegia 30; Neuropathy, hereditary sensory, type 2C; Intellectual disability, autosomal dominant 9. Last evaluated: 2024-10-23. Review status: criteria provided, single submitter. Criteria: Invitae Variant Classification Sherloc (09022015). Collection method: clinical testing. Allele origin: germline.
Comment: This sequence change replaces threonine, which is neutral and polar, with serine, which is neutral and polar, at codon 1523 of the KIF1A protein (p.Thr1523Ser). This variant is not present in population databases (gnomAD no frequency). This variant has not been reported in the literature in individuals affected with KIF1A-related conditions. An algorithm developed to predict the effect of missense changes on protein structure and function outputs the following: PolyPhen-2: "Benign". The serine amino acid residue is found in multiple mammalian species, which suggests that this missense change does not adversely affect protein function. In summary, the available evidence is currently insufficient to determine the role of this variant in disease. Therefore, it has been classified as a Variant of Uncertain Significance.